The following is an entry in ClinVar:

ClinVar aggregate classification (germline): Uncertain significance (1 of 4 stars; one submission).

Submission:

Labcorp Genetics (formerly Invitae), Labcorp
Classification: Uncertain significance. Last evaluated: 2021-04-05. Review status: criteria provided, single submitter. Criteria: Invitae Variant Classification Sherloc (09022015). Collection method: clinical testing. Allele origin: germline.
Comment: In summary, the available evidence is currently insufficient to determine the role of this variant in disease. Therefore, it has been classified as a Variant of Uncertain Significance. Experimental studies and prediction algorithms are not available or were not evaluated, and the functional significance of this variant is currently unknown. This variant has not been reported in the literature in individuals with PSMB4-related conditions. This variant is not present in population databases (ExAC no frequency). This sequence change affects the initiator methionine of the PSMB4 mRNA. The next in-frame methionine is located at codon 32.

NM_002796.3(PSMB4):c.1A>C (p.Met1Leu)

Gene: PSMB4 (proteasome 20S subunit beta 4; plus strand). Cytogenetic location: 1q21.3.
Variant type: single nucleotide variant.
Coding change: c.1A>C on transcript NM_002796.3 (MANE Select); coding-DNA position 1, A replaced by C.
Protein change: p.Met1Leu; changes the start codon (methionine 1).
Molecular consequence: missense variant, initiator codon variant.
Genome position (GRCh38, 1-based): chr1:151,399,588, A>C. VCF-style: chr1-151399588-A-C. GRCh37 (hg19) VCF-style: chr1-151372064-A-C.
Other names: short protein forms M1L.
Identifiers: ClinVar variation 1523420 (VCV001523420.8), dbSNP rs756993675, ClinGen allele CA341918737.